The following is an entry in ClinVar:

ClinVar aggregate classification (germline): Uncertain significance (1 of 4 stars; one submission).

Conditions:
Familial cold autoinflammatory syndrome 2 (FCAS2). Identifiers: Orphanet 247868, MedGen C2673198, MONDO:0012724, OMIM 611762.

Allele frequency attached by ClinVar (database versions not stated): gnomAD exomes below 0.00001; gnomAD 0.00003; TOPMed 0.00003; ESP Exome Variant Server 0.00008.

Submission:

Labcorp Genetics (formerly Invitae), Labcorp
Classification: Uncertain significance for Familial cold autoinflammatory syndrome 2. Last evaluated: 2018-04-27. Review status: criteria provided, single submitter. Criteria: Invitae Variant Classification Sherloc (09022015). Collection method: clinical testing. Allele origin: germline.
Comment: This variant is present in population databases (rs143182167, ExAC 0.02%). In summary, the available evidence is currently insufficient to determine the role of this variant in disease. Therefore, it has been classified as a Variant of Uncertain Significance. Algorithms developed to predict the effect of missense changes on protein structure and function do not agree on the potential impact of this missense change (SIFT: "Deleterious"; PolyPhen-2: "Probably Damaging"; Align-GVGD: "Class C0"). This variant has not been reported in the literature in individuals with NLRP12-related disease. This sequence change replaces phenylalanine with leucine at codon 28 of the NLRP12 protein (p.Phe28Leu). The phenylalanine residue is highly conserved and there is a small physicochemical difference between phenylalanine and leucine.

NM_144687.4(NLRP12):c.84C>G (p.Phe28Leu)

Gene: NLRP12 (NLR family pyrin domain containing 12; minus strand). Cytogenetic location: 19q13.42.
Variant type: single nucleotide variant.
Coding change: c.84C>G on transcript NM_144687.4 (MANE Select); coding-DNA position 84, C replaced by G.
Protein change: p.Phe28Leu; replaces phenylalanine 28 with leucine.
Molecular consequence: missense variant.
Genome position (GRCh38, 1-based): chr19:53,824,091, G>C on the plus strand (C>G on the coding strand, the complement: NLRP12 is on the minus strand). VCF-style: chr19-53824091-G-C. GRCh37 (hg19) VCF-style: chr19-54327345-G-C.
Other names: c.84C>G, p.Phe28Leu (NM_001277126.2, NM_001277129.1); short protein forms F28L.
Identifiers: ClinVar variation 575835 (VCV000575835.8), dbSNP rs143182167, ClinGen allele CA9639840.